The following is an entry in ClinVar:

NM_016284.5(CNOT1):c.6115C>A (p.Leu2039Ile)

Gene: CNOT1 (CCR4-NOT transcription complex subunit 1; minus strand). Cytogenetic location: 16q21.
Variant type: single nucleotide variant.
Coding change: c.6115C>A on transcript NM_016284.5 (MANE Select); coding-DNA position 6115, C replaced by A.
Protein change: p.Leu2039Ile; replaces leucine 2039 with isoleucine.
Molecular consequence: missense variant. On other transcripts: non-coding transcript variant (1).
Genome position (GRCh38, 1-based): chr16:58,532,020, G>T on the plus strand (C>A on the coding strand, the complement: CNOT1 is on the minus strand). VCF-style: chr16-58532020-G-T. GRCh37 (hg19) VCF-style: chr16-58565924-G-T.
Other names: c.6100C>A, p.Leu2034Ile (NM_001265612.2); short protein forms L2034I, L2039I.
Identifiers: ClinVar variation 2752089 (VCV002752089.3), dbSNP rs2543845746, ClinGen allele CA396162327.

ClinVar aggregate classification (germline): Uncertain significance (1 of 4 stars; one submission).

Submission:

Labcorp Genetics (formerly Invitae), Labcorp
Classification: Uncertain significance. Last evaluated: 2023-08-11. Review status: criteria provided, single submitter. Criteria: Invitae Variant Classification Sherloc (09022015). Collection method: clinical testing. Allele origin: germline.
Comment: This sequence change replaces leucine, which is neutral and non-polar, with isoleucine, which is neutral and non-polar, at codon 2034 of the CNOT1 protein (p.Leu2034Ile). This variant is not present in population databases (gnomAD no frequency). This variant has not been reported in the literature in individuals affected with CNOT1-related conditions. An algorithm developed to predict the effect of missense changes on protein structure and function (PolyPhen-2) suggests that this variant is likely to be disruptive. In summary, the available evidence is currently insufficient to determine the role of this variant in disease. Therefore, it has been classified as a Variant of Uncertain Significance.